The following is an entry in ClinVar:

NM_004423.4(DVL3):c.662G>A (p.Arg221Gln)

Gene: DVL3 (dishevelled segment polarity protein 3; plus strand). Cytogenetic location: 3q27.1.
Variant type: single nucleotide variant.
Coding change: c.662G>A on transcript NM_004423.4 (MANE Select); coding-DNA position 662, G replaced by A.
Protein change: p.Arg221Gln; replaces arginine 221 with glutamine.
Molecular consequence: missense variant.
Genome position (GRCh38, 1-based): chr3:184,165,175, G>A. VCF-style: chr3-184165175-G-A. GRCh37 (hg19) VCF-style: chr3-183882963-G-A.
Other names: short protein forms R221Q.
Identifiers: ClinVar variation 2264599 (VCV002264599.6), dbSNP rs199632718, ClinGen allele CA88853948.
Genomic context (GRCh38, chr3:184,165,175, plus strand): 5'-TCAGCAGCTCCACAGAACAGAGCAGTGCCTCACGCCTGATGAGAAGACACAAGCGGCGGC[G>A]GCGGAAGCAGAAGGTTTCTCGGATTGAGCGGGTATGGGGTCTGGGAGGCTAGGGATGGGT-3'
Protein context (NP_004414.3, residues 211-231): SRLMRRHKRR[Arg221Gln]RKQKVSRIER

ClinVar aggregate classification (germline): Uncertain significance. Review status: criteria provided, multiple submitters, no conflicts (2 of 4 stars). 2 submissions from 2 submitters: Uncertain significance (2). Last evaluated 2025-08-26.

Conditions:
Inborn genetic diseases. Identifiers: MedGen C0950123, MeSH D030342.

Allele frequency attached by ClinVar (database versions not stated): gnomAD exomes 0.00002; TOPMed 0.00002; gnomAD 0.00005; 1000 Genomes Project 30x 0.00016; 1000 Genomes Project 0.00020.

Submissions (2):

Ambry Genetics
Classification: Uncertain significance for Inborn genetic diseases. Last evaluated: 2025-08-26. Review status: criteria provided, single submitter. Criteria: Ambry Variant Classification Scheme 2023. Collection method: clinical testing. Allele origin: germline.

Labcorp Genetics (formerly Invitae), Labcorp
Classification: Uncertain significance. Last evaluated: 2022-10-25. Review status: criteria provided, single submitter. Criteria: Invitae Variant Classification Sherloc (09022015). Collection method: clinical testing. Allele origin: germline.
Comment: This variant is present in population databases (rs199632718, gnomAD 0.004%). This sequence change replaces arginine, which is basic and polar, with glutamine, which is neutral and polar, at codon 221 of the DVL3 protein (p.Arg221Gln). This variant has not been reported in the literature in individuals affected with DVL3-related conditions. Advanced modeling of protein sequence and biophysical properties (such as structural, functional, and spatial information, amino acid conservation, physicochemical variation, residue mobility, and thermodynamic stability) performed at Invitae indicates that this missense variant is not expected to disrupt DVL3 protein function. In summary, the available evidence is currently insufficient to determine the role of this variant in disease. Therefore, it has been classified as a Variant of Uncertain Significance.